The following is an entry in ClinVar:

ClinVar aggregate classification (germline): Benign (1 of 4 stars; one submission).

Conditions:
Hereditary diffuse gastric adenocarcinoma (HDGC). Also called: DIFFUSE GASTRIC AND LOBULAR BREAST CANCER SYNDROME. Identifiers: Orphanet 26106, MedGen C1708349, MONDO:0007648, OMIM 137215.

Submission:

Myriad Genetics, Inc.
Classification: Benign for Hereditary diffuse gastric adenocarcinoma. Last evaluated: 2024-10-09. Review status: criteria provided, single submitter. Criteria: Myriad Autosomal Dominant, Autosomal Recessive and X-Linked Classification Criteria (2023). Collection method: clinical testing. Allele origin: unknown.
Comment: This variant is considered benign. This variant is a silent/synonymous amino acid change and it is not expected to impact splicing.

NM_001903.5(CTNNA1):c.75T>G (p.Val25=)

Gene: CTNNA1 (catenin alpha 1; plus strand). Cytogenetic location: 5q31.2.
Variant type: single nucleotide variant.
Coding change: c.75T>G on transcript NM_001903.5 (MANE Select); coding-DNA position 75, T replaced by G.
Protein change: p.Val25=; no amino-acid change (valine 25 retained).
Molecular consequence: synonymous variant. On other transcripts: 5 prime UTR variant (2).
Genome position (GRCh38, 1-based): chr5:138,781,999, T>G. VCF-style: chr5-138781999-T-G. GRCh37 (hg19) VCF-style: chr5-138117688-T-G.
Other names: c.75T>G, p.Val25= (NM_001290307.3, NM_001323982.2, NM_001323983.1 and 3 more transcripts); c.-39T>G (NM_001290309.3); c.-132T>G (NM_001290310.3).
Identifiers: ClinVar variation 3773425 (VCV003773425.1).